The following is an entry in ClinVar:

NM_020247.5(COQ8A):c.1452C>G (p.Phe484Leu)

Gene: COQ8A (coenzyme Q8A; plus strand). Cytogenetic location: 1q42.13.
Variant type: single nucleotide variant.
Coding change: c.1452C>G on transcript NM_020247.5 (MANE Select); coding-DNA position 1452, C replaced by G.
Protein change: p.Phe484Leu; replaces phenylalanine 484 with leucine.
Molecular consequence: missense variant.
Genome position (GRCh38, 1-based): chr1:226,984,601, C>G. VCF-style: chr1-226984601-C-G. GRCh37 (hg19) VCF-style: chr1-227172302-C-G.
Other names: short protein forms F484L.
Identifiers: ClinVar variation 1807084 (VCV001807084.5), dbSNP rs748304950, ClinGen allele CA1425498.

ClinVar aggregate classification (germline): Uncertain significance. Review status: criteria provided, multiple submitters, no conflicts (2 of 4 stars). 2 submissions from 2 submitters: Uncertain significance (2). Last evaluated 2022-08-22.

Allele frequency attached by ClinVar (database versions not stated): gnomAD exomes 0.00001; ExAC 0.00003.
gnomAD v4.1: 5 of 1,614,196 alleles (0.00031%); highest among the groups gnomAD compares: Admixed American, 0.0083%; no homozygotes.

Submissions (2):

Athena Diagnostics
Classification: Uncertain significance. Last evaluated: 2022-08-22. Review status: criteria provided, single submitter. Criteria: Athena Diagnostics Criteria. Collection method: clinical testing. Allele origin: unknown.

Labcorp Genetics (formerly Invitae), Labcorp
Classification: Uncertain significance. Last evaluated: 2022-08-01. Review status: criteria provided, single submitter. Criteria: Invitae Variant Classification Sherloc (09022015). Collection method: clinical testing. Allele origin: germline.
Comment: This sequence change replaces phenylalanine, which is neutral and non-polar, with leucine, which is neutral and non-polar, at codon 484 of the COQ8A protein (p.Phe484Leu). This variant is present in population databases (rs748304950, gnomAD 0.01%). This variant has not been reported in the literature in individuals affected with COQ8A-related conditions. Advanced modeling of protein sequence and biophysical properties (such as structural, functional, and spatial information, amino acid conservation, physicochemical variation, residue mobility, and thermodynamic stability) performed at Invitae indicates that this missense variant is not expected to disrupt COQ8A protein function. In summary, the available evidence is currently insufficient to determine the role of this variant in disease. Therefore, it has been classified as a Variant of Uncertain Significance.